The following is an entry in ClinVar:

NM_001376.5(DYNC1H1):c.3053T>A (p.Phe1018Tyr)

Gene: DYNC1H1 (dynein cytoplasmic 1 heavy chain 1; plus strand). Cytogenetic location: 14q32.31.
Variant type: single nucleotide variant.
Coding change: c.3053T>A on transcript NM_001376.5 (MANE Select); coding-DNA position 3053, T replaced by A.
Protein change: p.Phe1018Tyr; replaces phenylalanine 1018 with tyrosine.
Molecular consequence: missense variant.
Genome position (GRCh38, 1-based): chr14:101,994,221, T>A. VCF-style: chr14-101994221-T-A. GRCh37 (hg19) VCF-style: chr14-102460558-T-A.
Other names: short protein forms F1018Y.
Identifiers: ClinVar variation 3365534 (VCV003365534.1).

ClinVar aggregate classification (germline): Uncertain significance (1 of 4 stars; one submission).

gnomAD v4.1: 1 of 1,614,104 alleles (0.000062%); highest among the groups gnomAD compares: African/African-American, 0.0013%; no homozygotes.

Submission:

GeneDx
Classification: Uncertain significance. Last evaluated: 2023-12-13. Review status: criteria provided, single submitter. Criteria: GeneDx Variant Classification Process June 2021. Collection method: clinical testing. Allele origin: germline. Affected: yes.
Comment: In silico analysis supports that this missense variant does not alter protein structure/function; Has not been previously published as pathogenic or benign to our knowledge; This variant is associated with the following publications: (PMID: 25512093, 25609763, 26100331)